The following is an entry in ClinVar:

ClinVar aggregate classification (germline): Uncertain significance (1 of 4 stars; one submission).

Conditions:
Lymphoproliferative syndrome 1 (LPFS1). Identifiers: Orphanet 238505, Orphanet 538963, MedGen C3552634, MONDO:0013081, OMIM 613011.

Allele frequency attached by ClinVar (database versions not stated): gnomAD exomes below 0.00001; gnomAD 0.00001; TOPMed 0.00001.

Submission:

Labcorp Genetics (formerly Invitae), Labcorp
Classification: Uncertain significance for Lymphoproliferative syndrome 1. Last evaluated: 2025-05-13. Review status: criteria provided, single submitter. Criteria: Invitae Variant Classification Sherloc (09022015). Collection method: clinical testing. Allele origin: germline.
Comment: This sequence change replaces tyrosine, which is neutral and polar, with histidine, which is basic and polar, at codon 578 of the ITK protein (p.Tyr578His). This variant is not present in population databases (gnomAD no frequency). This variant has not been reported in the literature in individuals affected with ITK-related conditions. ClinVar contains an entry for this variant (Variation ID: 1481220). Invitae Evidence Modeling of protein sequence and biophysical properties (such as structural, functional, and spatial information, amino acid conservation, physicochemical variation, residue mobility, and thermodynamic stability) has been performed for this missense variant. However, the output from this modeling did not meet the statistical confidence thresholds required to predict the impact of this variant on ITK protein function. In summary, the available evidence is currently insufficient to determine the role of this variant in disease. Therefore, it has been classified as a Variant of Uncertain Significance.

NM_005546.4(ITK):c.1732T>C (p.Tyr578His)

Gene: ITK (IL2 inducible T cell kinase; plus strand). Cytogenetic location: 5q33.3.
Variant type: single nucleotide variant.
Coding change: c.1732T>C on transcript NM_005546.4 (MANE Select); coding-DNA position 1732, T replaced by C.
Protein change: p.Tyr578His; replaces tyrosine 578 with histidine.
Molecular consequence: missense variant.
Genome position (GRCh38, 1-based): chr5:157,248,948, T>C. VCF-style: chr5-157248948-T-C. GRCh37 (hg19) VCF-style: chr5-156675958-T-C.
Other names: short protein forms Y578H.
Identifiers: ClinVar variation 1481220 (VCV001481220.4), dbSNP rs1755077462, ClinGen allele CA361963842.